The following is an entry in ClinVar:

NM_001457.4(FLNB):c.6553G>A (p.Val2185Met)

Gene: FLNB (filamin B; plus strand). Cytogenetic location: 3p14.3.
Variant type: single nucleotide variant.
Coding change: c.6553G>A on transcript NM_001457.4 (MANE Select); coding-DNA position 6553, G replaced by A.
Protein change: p.Val2185Met; replaces valine 2185 with methionine.
Molecular consequence: missense variant.
Genome position (GRCh38, 1-based): chr3:58,153,560, G>A. VCF-style: chr3-58153560-G-A. GRCh37 (hg19) VCF-style: chr3-58139287-G-A.
Other names: c.6553G>A (NM_001457.3); c.6646G>A, p.Val2216Met (NM_001164317.2); c.6520G>A, p.Val2174Met (NM_001164318.2); c.6481G>A, p.Val2161Met (NM_001164319.2); short protein forms V2174M, V2161M, V2216M, V2185M.
Identifiers: ClinVar variation 2786132 (VCV002786132.4), dbSNP rs777140253, ClinGen allele CA2469422.
Genomic context (GRCh38, chr3:58,153,560, plus strand): 5'-CACACGGTCAGCGTCAAGTACCGTGGGCAGCACGTCACCGGCAGCCCCTTCCAGTTCACC[G>A]TGGGGCCACTTGGTGAAGGAGGCGCCCACAAGGTGCGGGCAGGAGGCCCTGGCCTGGAGA-3'
Protein context (NP_001448.2, residues 2175-2195): HVTGSPFQFT[Val2185Met]GPLGEGGAHK

ClinVar aggregate classification (germline): Uncertain significance. Review status: criteria provided, multiple submitters, no conflicts (2 of 4 stars). 2 submissions from 2 submitters: Uncertain significance (2). Last evaluated 2023-12-20.

Conditions:
Inborn genetic diseases. Identifiers: MedGen C0950123, MeSH D030342.

Allele frequency attached by ClinVar (database versions not stated): gnomAD exomes below 0.00001; ExAC 0.00001; TOPMed 0.00001.
gnomAD v4.1: 3 of 1,614,118 alleles (0.00019%); highest among the groups gnomAD compares: Non-Finnish European, 0.00025%; no homozygotes.

Submissions (2):

Ambry Genetics
Classification: Uncertain significance for Inborn genetic diseases. Last evaluated: 2023-12-20. Review status: criteria provided, single submitter. Criteria: Ambry Variant Classification Scheme 2023. Collection method: clinical testing. Allele origin: germline.

Labcorp Genetics (formerly Invitae), Labcorp
Classification: Uncertain significance. Last evaluated: 2023-07-12. Review status: criteria provided, single submitter. Criteria: Invitae Variant Classification Sherloc (09022015). Collection method: clinical testing. Allele origin: germline.
Comment: This sequence change replaces valine, which is neutral and non-polar, with methionine, which is neutral and non-polar, at codon 2185 of the FLNB protein (p.Val2185Met). This variant is present in population databases (rs777140253, gnomAD 0.0009%). This variant has not been reported in the literature in individuals affected with FLNB-related conditions. Advanced modeling of protein sequence and biophysical properties (such as structural, functional, and spatial information, amino acid conservation, physicochemical variation, residue mobility, and thermodynamic stability) performed at Invitae indicates that this missense variant is not expected to disrupt FLNB protein function. In summary, the available evidence is currently insufficient to determine the role of this variant in disease. Therefore, it has been classified as a Variant of Uncertain Significance.